The following is an entry in ClinVar:

ClinVar aggregate classification (germline): Pathogenic. Review status: criteria provided, multiple submitters, no conflicts (2 of 4 stars). 2 submissions from 2 submitters: Pathogenic (2). Last evaluated 2022-03-09.

Conditions:
Tyrosinemia type I (TYRSN1). Also called: Tyrosinemia type 1; Fumarylacetoacetase deficiency; HEPATORENAL TYROSINEMIA; FAH DEFICIENCY; Deficiency of fumarylacetoacetase. Identifiers: Orphanet 882, MedGen C0268490, MONDO:0010161, OMIM 276700. Disease mechanism: loss of function.

Allele frequency attached by ClinVar (database versions not stated): gnomAD exomes below 0.00001; TOPMed below 0.00001.
gnomAD v4.1: 1 of 1,603,850 alleles (0.000062%); highest among the groups gnomAD compares: Non-Finnish European, 0.000085%; no homozygotes.

Submissions (2):

Labcorp Genetics (formerly Invitae), Labcorp
Classification: Pathogenic for Tyrosinemia type I. Last evaluated: 2022-03-09. Review status: criteria provided, single submitter. Criteria: Invitae Variant Classification Sherloc (09022015). Collection method: clinical testing. Allele origin: germline.
Comment: ClinVar contains an entry for this variant (Variation ID: 813493). Variants that disrupt the consensus splice site are a relatively common cause of aberrant splicing (PMID: 17576681, 9536098). Algorithms developed to predict the effect of sequence changes on RNA splicing suggest that this variant may disrupt the consensus splice site. This variant disrupts a region of the FAH protein in which other variant(s) (p.Gly404Ser) have been determined to be pathogenic (PMID: 21117323, 27814443; Invitae). This suggests that this is a clinically significant region of the protein, and that variants that disrupt it are likely to be disease-causing. For these reasons, this variant has been classified as Pathogenic. This variant has not been reported in the literature in individuals affected with FAH-related conditions. This sequence change affects a donor splice site in intron 13 of the FAH gene. While this variant is not anticipated to result in nonsense mediated decay, it likely alters RNA splicing and results in a disrupted protein product. This variant is not present in population databases (gnomAD no frequency).

Baylor Genetics
Classification: Pathogenic for Tyrosinemia type I. Review status: criteria provided, single submitter. Criteria: ACMG Guidelines, 2015. Collection method: clinical testing. Allele origin: germline.

Literature cited by the submitters: PubMed 17576681 (cited by Labcorp Genetics (formerly Invitae), Labcorp); PubMed 9536098 (cited by Labcorp Genetics (formerly Invitae), Labcorp); PubMed 21117323 (cited by Labcorp Genetics (formerly Invitae), Labcorp); PubMed 27814443 (cited by Labcorp Genetics (formerly Invitae), Labcorp).

NM_000137.4(FAH):c.1180+1G>A

Gene: FAH (fumarylacetoacetate hydrolase; plus strand). Cytogenetic location: 15q25.1.
Variant type: single nucleotide variant.
Coding change: c.1180+1G>A on transcript NM_000137.4 (MANE Select); the canonical splice donor site of the intron after coding-DNA position 1180, G replaced by A.
Molecular consequence: splice donor variant.
Genome position (GRCh38, 1-based): chr15:80,181,160, G>A. VCF-style: chr15-80181160-G-A. GRCh37 (hg19) VCF-style: chr15-80473502-G-A.
Other names: c.1180+1G>A (NM_001374377.1, NM_001374380.1).
Identifiers: ClinVar variation 813493 (VCV000813493.6), dbSNP rs980415517, ClinGen allele CA274034263.